The following is an entry in ClinVar:

NM_006767.4(LZTR1):c.1247T>C (p.Met416Thr)

Gene: LZTR1 (leucine zipper like post translational regulator 1; plus strand). Cytogenetic location: 22q11.21.
Variant type: single nucleotide variant.
Coding change: c.1247T>C on transcript NM_006767.4 (MANE Select); coding-DNA position 1247, T replaced by C.
Protein change: p.Met416Thr; replaces methionine 416 with threonine.
Molecular consequence: missense variant.
Genome position (GRCh38, 1-based): chr22:20,992,891, T>C. VCF-style: chr22-20992891-T-C. GRCh37 (hg19) VCF-style: chr22-21347180-T-C.
Other names: short protein forms M416T.
Identifiers: ClinVar variation 3238043 (VCV003238043.3), dbSNP rs1307964821.

ClinVar aggregate classification (germline): Uncertain significance. Review status: criteria provided, multiple submitters, no conflicts (2 of 4 stars). 2 submissions from 2 submitters: Uncertain significance (2). Last evaluated 2025-07-30.

Conditions:
Hereditary cancer-predisposing syndrome. Also called: Neoplastic Syndromes, Hereditary; Tumor predisposition; Hereditary neoplastic syndrome; Hereditary Cancer Syndrome. Identifiers: Orphanet 140162, MedGen C0027672, MeSH D009386, MONDO:0015356.
Cardiovascular phenotype. Identifiers: MedGen CN230736.

Submissions (2):

Labcorp Genetics (formerly Invitae), Labcorp
Classification: Uncertain significance. Last evaluated: 2025-07-30. Review status: criteria provided, single submitter. Criteria: Invitae Variant Classification Sherloc (09022015). Collection method: clinical testing. Allele origin: germline.
Comment: This sequence change replaces methionine, which is neutral and non-polar, with threonine, which is neutral and polar, at codon 416 of the LZTR1 protein (p.Met416Thr). This variant is not present in population databases (gnomAD no frequency). This missense change has been observed in individual(s) with Noonan syndrome (PMID: 32502767). ClinVar contains an entry for this variant (Variation ID: 3238043). Invitae Evidence Modeling of protein sequence and biophysical properties (such as structural, functional, and spatial information, amino acid conservation, physicochemical variation, residue mobility, and thermodynamic stability) indicates that this missense variant is not expected to disrupt LZTR1 protein function with a negative predictive value of 80%. In summary, the available evidence is currently insufficient to determine the role of this variant in disease. Therefore, it has been classified as a Variant of Uncertain Significance.

Ambry Genetics
Classification: Uncertain significance for Cardiovascular phenotype; Hereditary cancer-predisposing syndrome. Last evaluated: 2025-05-08. Review status: criteria provided, single submitter. Criteria: Ambry Variant Classification Scheme 2023. Collection method: clinical testing. Allele origin: germline.
Comment: The p.M416T variant (also known as c.1247T>C), located in coding exon 11 of the LZTR1 gene, results from a T to C substitution at nucleotide position 1247. The methionine at codon 416 is replaced by threonine, an amino acid with similar properties. This was alteration was detected in an individual diagnosed with Noonan syndrome who had abnormalities of multiple systems detected on prenatal ultrasound including narrow thorax, lung dysplasia, pulmonary stenosis, mitral and tricuspid stenosis with severe valve regurgitation (Chen M et al. Eur J Obstet Gynecol Reprod Biol, 2020 Aug;251:119-124). This amino acid position is highly conserved in available vertebrate species. In addition, the in silico prediction for this alteration is inconclusive. Based on the available evidence, the clinical significance of this variant remains unclear.

Literature cited by the submitters: PubMed 32502767 (cited by Labcorp Genetics (formerly Invitae), Labcorp and Ambry Genetics).